The following is an entry in ClinVar:

ClinVar aggregate classification (germline): Uncertain significance (1 of 4 stars; one submission).

Conditions:
Inborn genetic diseases. Identifiers: MedGen C0950123, MeSH D030342.

gnomAD v4.1: 1 of 1,526,396 alleles (0.000066%); no homozygotes.

Submission:

Ambry Genetics
Classification: Uncertain significance for Inborn genetic diseases. Last evaluated: 2024-02-17. Review status: criteria provided, single submitter. Criteria: Ambry Variant Classification Scheme 2023. Collection method: clinical testing. Allele origin: germline.
Comment: The p.L1261P variant (also known as c.3782T>C), located in coding exon 28 of the LTBP3 gene, results from a T to C substitution at nucleotide position 3782. The leucine at codon 1261 is replaced by proline, an amino acid with similar properties. This amino acid position is conserved. In addition, this alteration is predicted to be deleterious by in silico analysis. Based on the available evidence, the clinical significance of this alteration remains unclear.

NM_001130144.3(LTBP3):c.3782T>C (p.Leu1261Pro)

Gene: LTBP3 (latent transforming growth factor beta binding protein 3; minus strand). Cytogenetic location: 11q13.1.
Variant type: single nucleotide variant.
Coding change: c.3782T>C on transcript NM_001130144.3 (MANE Select); coding-DNA position 3782, T replaced by C.
Protein change: p.Leu1261Pro; replaces leucine 1261 with proline.
Molecular consequence: missense variant.
Genome position (GRCh38, 1-based): chr11:65,539,210, A>G on the plus strand (T>C on the coding strand, the complement: LTBP3 is on the minus strand). VCF-style: chr11-65539210-A-G. GRCh37 (hg19) VCF-style: chr11-65306681-A-G.
Other names: c.3290T>C, p.Leu1097Pro (NM_001164266.1); c.3641T>C, p.Leu1214Pro (NM_021070.4); short protein forms L1097P, L1214P, L1261P.
Identifiers: ClinVar variation 3233180 (VCV003233180.1), dbSNP rs2496110544, ClinGen allele CA381266031.
Genomic context (GRCh38, chr11:65,539,210, plus strand): 5'-CGGAAGGAGCCGCTGGTGTTCACGCAGCGCTCGCTCTTGCACAGCAGCCCGCGCTGGTTC[A>G]GCTCTCGGCACTCGTCGATATCTGAAGGTGAGGGCGACAGGTGCGGCTTCGCTGAGCCTC-3'
Protein context (NP_001123616.1, residues 1251-1271): RCVDIDECRE[Leu1261Pro]NQRGLLCKSE